The following is an entry in ClinVar:

NM_003036.4(SKI):c.2147A>T (p.Glu716Val)

Gene: SKI (SKI proto-oncogene; plus strand). Cytogenetic location: 1p36.32.
Variant type: single nucleotide variant.
Coding change: c.2147A>T on transcript NM_003036.4 (MANE Select); coding-DNA position 2147, A replaced by T.
Protein change: p.Glu716Val; replaces glutamic acid 716 with valine.
Molecular consequence: missense variant.
Genome position (GRCh38, 1-based): chr1:2,306,725, A>T. VCF-style: chr1-2306725-A-T. GRCh37 (hg19) VCF-style: chr1-2238164-A-T.
Other names: short protein forms E716V.
Identifiers: ClinVar variation 3223066 (VCV003223066.1), dbSNP rs2521524370, ClinGen allele CA337959841.

ClinVar aggregate classification (germline): Uncertain significance (1 of 4 stars; one submission).

Conditions:
Familial thoracic aortic aneurysm and aortic dissection (TAAD). Also called: Thoracic aortic aneurysms and dissections. Identifiers: Orphanet 91387, MedGen C4707243, MONDO:0019625.

Allele frequency attached by ClinVar (database versions not stated): gnomAD exomes below 0.00001.
gnomAD v4.1: 1 of 1,533,710 alleles (0.000065%); highest among the groups gnomAD compares: Non-Finnish European, 0.000088%; no homozygotes.

Submission:

Ambry Genetics
Classification: Uncertain significance for Familial thoracic aortic aneurysm and aortic dissection. Last evaluated: 2024-01-22. Review status: criteria provided, single submitter. Criteria: Ambry Variant Classification Scheme 2023. Collection method: clinical testing. Allele origin: germline.
Comment: The p.E716V variant (also known as c.2147A>T), located in coding exon 7 of the SKI gene, results from an A to T substitution at nucleotide position 2147. The glutamic acid at codon 716 is replaced by valine, an amino acid with dissimilar properties. This amino acid position is conserved. In addition, the in silico prediction for this alteration is inconclusive. Based on the available evidence, the clinical significance of this alteration remains unclear.